The following is an entry in ClinVar:

NM_152703.5(SAMD9L):c.1439T>C (p.Met480Thr)

Gene: SAMD9L (sterile alpha motif domain containing 9 like; minus strand). Cytogenetic location: 7q21.2.
Variant type: single nucleotide variant.
Coding change: c.1439T>C on transcript NM_152703.5 (MANE Select); coding-DNA position 1439, T replaced by C.
Protein change: p.Met480Thr; replaces methionine 480 with threonine.
Molecular consequence: missense variant.
Genome position (GRCh38, 1-based): chr7:93,134,533, A>G on the plus strand (T>C on the coding strand, the complement: SAMD9L is on the minus strand). VCF-style: chr7-93134533-A-G. GRCh37 (hg19) VCF-style: chr7-92763846-A-G.
Other names: c.1439T>C, p.Met480Thr (NM_001350085.2, NM_001303496.3, NM_001303497.3 and 5 more transcripts); short protein forms M480T.
Identifiers: ClinVar variation 2880935 (VCV002880935.3), dbSNP rs775501503, ClinGen allele CA4343728.
Genomic context (GRCh38, chr7:93,134,533, plus strand): 5'-CCGTTGCAGAAAATCCAGCTGGGCTGTTGGTAAAGATTAAGAGTAGAAATCTTCTCCCAC[A>G]TGTTAGTTGTCTTGTCTTCATATTGATTTGGAAAGTGAAGGTTTGCCACCCGACTTTCTT-3'
Protein context (NP_689916.2, residues 470-490): PNQYEDKTTN[Met480Thr]WEKISTLNLY

ClinVar aggregate classification (germline): Uncertain significance (1 of 4 stars; one submission).

Allele frequency attached by ClinVar (database versions not stated): gnomAD 0.00001; ExAC 0.00002.
gnomAD v4.1: 3 of 1,613,816 alleles (0.00019%); highest among the groups gnomAD compares: Admixed American, 0.0033%; no homozygotes.

Submission:

Labcorp Genetics (formerly Invitae), Labcorp
Classification: Uncertain significance. Last evaluated: 2024-01-10. Review status: criteria provided, single submitter. Criteria: Invitae Variant Classification Sherloc (09022015). Collection method: clinical testing. Allele origin: germline.
Comment: This sequence change replaces methionine, which is neutral and non-polar, with threonine, which is neutral and polar, at codon 480 of the SAMD9L protein (p.Met480Thr). This variant is present in population databases (rs775501503, gnomAD 0.006%). This variant has not been reported in the literature in individuals affected with SAMD9L-related conditions. Advanced modeling of protein sequence and biophysical properties (such as structural, functional, and spatial information, amino acid conservation, physicochemical variation, residue mobility, and thermodynamic stability) performed at Invitae indicates that this missense variant is not expected to disrupt SAMD9L protein function with a negative predictive value of 80%. In summary, the available evidence is currently insufficient to determine the role of this variant in disease. Therefore, it has been classified as a Variant of Uncertain Significance.